The following is an entry in ClinVar:

ClinVar aggregate classification (germline): Likely pathogenic (1 of 4 stars; one submission).

Submission:

Labcorp Genetics (formerly Invitae), Labcorp
Classification: Likely pathogenic. Last evaluated: 2022-01-02. Review status: criteria provided, single submitter. Criteria: Invitae Variant Classification Sherloc (09022015). Collection method: clinical testing. Allele origin: germline.
Comment: This variant is not present in population databases (gnomAD no frequency). This variant has not been reported in the literature in individuals affected with LAMC3-related conditions. Algorithms developed to predict the effect of sequence changes on RNA splicing suggest that this variant may disrupt the consensus splice site. In summary, the currently available evidence indicates that the variant is pathogenic, but additional data are needed to prove that conclusively. Therefore, this variant has been classified as Likely Pathogenic. This sequence change affects a donor splice site in intron 14 of the LAMC3 gene. It is expected to disrupt RNA splicing. Variants that disrupt the donor or acceptor splice site typically lead to a loss of protein function (PMID: 16199547), and loss-of-function variants in LAMC3 are known to be pathogenic (PMID: 21572413, 26802095).

Literature cited by the submitters: PubMed 16199547; PubMed 21572413; PubMed 26802095.

NM_006059.4(LAMC3):c.2593+2T>A

Gene: LAMC3 (laminin subunit gamma 3; plus strand). Cytogenetic location: 9q34.12.
Variant type: single nucleotide variant.
Coding change: c.2593+2T>A on transcript NM_006059.4 (MANE Select); the canonical splice donor site of the intron after coding-DNA position 2593, T replaced by A.
Molecular consequence: splice donor variant.
Genome position (GRCh38, 1-based): chr9:131,067,207, T>A. VCF-style: chr9-131067207-T-A. GRCh37 (hg19) VCF-style: chr9-133942594-T-A.
Identifiers: ClinVar variation 2070981 (VCV002070981.4), dbSNP rs2538300291, ClinGen allele CA375253525.
Genomic context (GRCh38, chr9:131,067,207, plus strand): 5'-CTGTCAGGAAGGCTTCTACGGGAGCGCCCTGGCCCCTCGACCCGCAGACAAATGCATGCG[T>A]GAGTACCTACCTCCAGACCCCAGGGTGGCACATGGTGGGCCCCTTCTCTTCTGCCCTGGC-3'